The following is an entry in ClinVar:

ClinVar aggregate classification (germline): Uncertain significance (1 of 4 stars; one submission).

Conditions:
Glycogen storage disease, type V (GSD5). Also called: MCARDLE DISEASE; MUSCLE GLYCOGEN PHOSPHORYLASE DEFICIENCY; MYOPHOSPHORYLASE DEFICIENCY; PYGM DEFICIENCY; McArdle type glycogen storage disease. Identifiers: Orphanet 368, MedGen C0017924, MONDO:0009293, OMIM 232600.

gnomAD v4.1: 8 of 1,614,014 alleles (0.0005%); highest among the groups gnomAD compares: Non-Finnish European, 0.00059%; no homozygotes.

Submission:

Labcorp Genetics (formerly Invitae), Labcorp
Classification: Uncertain significance for Glycogen storage disease, type V. Last evaluated: 2025-08-16. Review status: criteria provided, single submitter. Criteria: Invitae Variant Classification Sherloc (09022015). Collection method: clinical testing. Allele origin: germline.
Comment: This sequence change replaces tyrosine, which is neutral and polar, with asparagine, which is neutral and polar, at codon 156 of the PYGM protein (p.Tyr156Asn). This variant is present in population databases (no rsID available, gnomAD 0.0009%). This variant has not been reported in the literature in individuals affected with PYGM-related conditions. Invitae Evidence Modeling of protein sequence and biophysical properties (such as structural, functional, and spatial information, amino acid conservation, physicochemical variation, residue mobility, and thermodynamic stability) has been performed for this missense variant. However, the output from this modeling did not meet the statistical confidence thresholds required to predict the impact of this variant on PYGM protein function. In summary, the available evidence is currently insufficient to determine the role of this variant in disease. Therefore, it has been classified as a Variant of Uncertain Significance.

NM_005609.4(PYGM):c.466T>A (p.Tyr156Asn)

Gene: PYGM (glycogen phosphorylase, muscle associated; minus strand). Cytogenetic location: 11q13.1.
Variant type: single nucleotide variant.
Coding change: c.466T>A on transcript NM_005609.4 (MANE Select); coding-DNA position 466, T replaced by A.
Protein change: p.Tyr156Asn; replaces tyrosine 156 with asparagine.
Molecular consequence: missense variant. On other transcripts: intron variant (1).
Genome position (GRCh38, 1-based): chr11:64,758,308, A>T on the plus strand (T>A on the coding strand, the complement: PYGM is on the minus strand). VCF-style: chr11-64758308-A-T. GRCh37 (hg19) VCF-style: chr11-64525780-A-T.
Other names: c.244-42T>A (NM_001164716.1); short protein forms Y156N.
Identifiers: ClinVar variation 4779497 (VCV004779497.1).
Genomic context (GRCh38, chr11:64,758,308, plus strand): 5'-GCCAGCCCCCGGAGATCTTCTGGTTAAAAATCCCAAACTCATAGCGAATCCCGTAGCCAT[A>T]GGCGGCCAGGCCCAGTGTTGCCATGGAGTCAAGAAAGCAGGCTGGGGGTGTGCAGGGAGG-3'
Protein context (NP_005600.1, residues 146-166): DSMATLGLAA[Tyr156Asn]GYGIRYEFGI